The following is an entry in ClinVar:

NM_024529.5(CDC73):c.1366G>A (p.Gly456Ser)

Gene: CDC73 (cell division cycle 73; plus strand). Cytogenetic location: 1q31.2.
Variant type: single nucleotide variant.
Coding change: c.1366G>A on transcript NM_024529.5 (MANE Select); coding-DNA position 1366, G replaced by A.
Protein change: p.Gly456Ser; replaces glycine 456 with serine.
Molecular consequence: missense variant.
Genome position (GRCh38, 1-based): chr1:193,236,305, G>A. VCF-style: chr1-193236305-G-A. GRCh37 (hg19) VCF-style: chr1-193205435-G-A.
Other names: short protein forms G456S.
Identifiers: ClinVar variation 3998691 (VCV003998691.1).
Genomic context (GRCh38, chr1:193,236,305, plus strand): 5'-TCTACTTGTAGGGACCGCGTTGTAGCCGTTTTTGTGCAGGGTCCTGCATGGCAGTTCAAA[G>A]GTTGGCCATGGCTTTTGCCTGATGGATCACCAGTTGATATATTTGCTAAAAGTAAGATTC-3'
Protein context (NP_078805.3, residues 446-466): FVQGPAWQFK[Gly456Ser]WPWLLPDGSP

ClinVar aggregate classification (germline): Uncertain significance (1 of 4 stars; one submission).

Conditions:
Hereditary cancer-predisposing syndrome. Also called: Tumor predisposition; Hereditary neoplastic syndrome; Neoplastic Syndromes, Hereditary; Hereditary Cancer Syndrome. Identifiers: Orphanet 140162, MedGen C0027672, MeSH D009386, MONDO:0015356.

gnomAD v4.1: 1 of 1,614,040 alleles (0.000062%); highest among the groups gnomAD compares: Non-Finnish European, 0.000085%; no homozygotes.

Submission:

Ambry Genetics
Classification: Uncertain significance for Hereditary cancer-predisposing syndrome. Last evaluated: 2025-05-31. Review status: criteria provided, single submitter. Criteria: Ambry Variant Classification Scheme 2023. Collection method: clinical testing. Allele origin: germline.
Comment: The p.G456S variant (also known as c.1366G>A), located in coding exon 15 of the CDC73 gene, results from a G to A substitution at nucleotide position 1366. The glycine at codon 456 is replaced by serine, an amino acid with similar properties. This amino acid position is conserved. In addition, the in silico prediction for this alteration is inconclusive. Based on the available evidence, the clinical significance of this variant remains unclear.